The following is an entry in ClinVar:

ClinVar aggregate classification (germline): Uncertain significance (1 of 4 stars; one submission).

Conditions:
Idiopathic generalized epilepsy. Also called: EIG; Generalised epilepsy. Identifiers: MedGen C0270850, MONDO:0005579, OMIM 600669.

gnomAD v4.1: 2 of 1,613,996 alleles (0.00012%); highest among the groups gnomAD compares: African/African-American, 0.0027%; no homozygotes.

Submission:

Labcorp Genetics (formerly Invitae), Labcorp
Classification: Uncertain significance for Idiopathic generalized epilepsy. Last evaluated: 2025-11-12. Review status: criteria provided, single submitter. Criteria: Invitae Variant Classification Sherloc (09022015). Collection method: clinical testing. Allele origin: germline.
Comment: This sequence change replaces valine, which is neutral and non-polar, with isoleucine, which is neutral and non-polar, at codon 141 of the RBFOX1 protein (p.Val141Ile). This variant is present in population databases (rs752367368, gnomAD 0.01%). This variant has not been reported in the literature in individuals affected with RBFOX1-related conditions. Invitae Evidence Modeling of protein sequence and biophysical properties (such as structural, functional, and spatial information, amino acid conservation, physicochemical variation, residue mobility, and thermodynamic stability) indicates that this missense variant is not expected to disrupt RBFOX1 protein function with a negative predictive value of 80%. In summary, the available evidence is currently insufficient to determine the role of this variant in disease. Therefore, it has been classified as a Variant of Uncertain Significance.

NM_018723.4(RBFOX1):c.361G>A (p.Val121Ile)

Genes: RBFOX1 (RNA binding fox-1 homolog 1; plus strand), LOC126862278 (CDK7 strongly-dependent group 2 enhancer GRCh37_chr16:7629446-7630645; plus strand). Cytogenetic location: 16p13.3.
Variant type: single nucleotide variant.
Coding change: c.361G>A on transcript NM_018723.4 (MANE Select); coding-DNA position 361, G replaced by A.
Protein change: p.Val121Ile; replaces valine 121 with isoleucine.
Molecular consequence: missense variant.
Genome position (GRCh38, 1-based): chr16:7,579,867, G>A. VCF-style: chr16-7579867-G-A. GRCh37 (hg19) VCF-style: chr16-7629869-G-A.
Other names: c.490G>A, p.Val164Ile (NM_001415895.1, NM_001415897.1, NM_001415914.1 and 5 more transcripts); c.421G>A, p.Val141Ile (NM_001415896.1, NM_001415904.1, NM_001415915.1 and 4 more transcripts); c.469G>A, p.Val157Ile (NM_001415898.1, NM_001415900.1, NM_001415889.1 and 5 more transcripts); c.436G>A, p.Val146Ile (NM_001415899.1, NM_001415901.1, NM_001415903.1 and 4 more transcripts); c.367G>A, p.Val123Ile (NM_001415902.1, NM_001415917.1, NM_001415911.1); c.361G>A, p.Val121Ile (NM_001415916.1, NM_001142333.2, NM_001142334.2 and 1 more transcripts); c.958G>A, p.Val320Ile (NM_001415887.1, NM_001415888.1); short protein forms V121I, V123I, V141I, V146I, V157I, V320I, V164I.
Identifiers: ClinVar variation 4777003 (VCV004777003.1).